The following is an entry in ClinVar:

NM_002332.3(LRP1):c.7919-8_7923dup

Gene: LRP1 (LDL receptor related protein 1; plus strand). Cytogenetic location: 12q13.3.
Variant type: Duplication.
Coding change: c.7919-8_7923dup on transcript NM_002332.3 (MANE Select); 8 bases into the intron before coding-DNA position 7919 through coding-DNA position 7923, 13 bases duplicated (CCCACCAGGTGCC).
Molecular consequence: splice acceptor variant.
Genome position (GRCh38, 1-based): chr12:57,194,346-57,194,358, CCCACCAGGTGCC duplicated; duplicating any 13 consecutive bases within chr12:57,194,342-57,194,358 gives the same sequence; the c. name uses the placement nearest the transcript's 3' end. VCF-style (leftmost placement, unchanged base first): chr12-57194341-C-CTGCCCCCACCAGG. GRCh37 (hg19) VCF-style: chr12-57588124-C-CTGCCCCCACCAGG.
Identifiers: ClinVar variation 4976099 (VCV004976099.1).

ClinVar aggregate classification (germline): Uncertain significance (1 of 4 stars; one submission).

Submission:

GeneDx
Classification: Uncertain significance. Last evaluated: 2024-09-12. Review status: criteria provided, single submitter. Criteria: GeneDx Variant Classification Process June 2021. Collection method: clinical testing. Allele origin: germline.
Comment: Has not been previously published as pathogenic or benign to our knowledge; In silico analysis, which includes splice predictors and evolutionary conservation, suggests this variant may impact gene splicing. In the absence of RNA/functional studies, the actual effect of this sequence change is unknown.; Variants in candidate genes are classified as variants of uncertain significance in accordance with ACMG guidelines (PMID: 25741868); Not observed at significant frequency in large population cohorts (gnomAD)